The following is an entry in ClinVar:

NM_001105206.3(LAMA4):c.528C>G (p.Asn176Lys)

Gene: LAMA4 (laminin subunit alpha 4; minus strand). Cytogenetic location: 6q21.
Variant type: single nucleotide variant.
Coding change: c.528C>G on transcript NM_001105206.3 (MANE Select); coding-DNA position 528, C replaced by G.
Protein change: p.Asn176Lys; replaces asparagine 176 with lysine.
Molecular consequence: missense variant.
Genome position (GRCh38, 1-based): chr6:112,191,826, G>C on the plus strand (C>G on the coding strand, the complement: LAMA4 is on the minus strand). VCF-style: chr6-112191826-G-C. GRCh37 (hg19) VCF-style: chr6-112513028-G-C.
Other names: p.Asn176Lys; c.528C>G, p.Asn176Lys (NM_001105207.3, NM_002290.5); short protein forms N176K.
Identifiers: ClinVar variation 2682949 (VCV002682949.3), dbSNP rs1228529834, ClinGen allele CA365378456.

ClinVar aggregate classification (germline): Uncertain significance. Review status: criteria provided, multiple submitters, no conflicts (2 of 4 stars). 3 submissions from 3 submitters: Uncertain significance (3). Last evaluated 2025-04-30.

Conditions:
Dilated cardiomyopathy 1JJ (CMD1JJ). Identifiers: Orphanet 154, MedGen C3808935, MONDO:0014095, OMIM 615235.

Allele frequency attached by ClinVar (database versions not stated): gnomAD 0.00001; TOPMed 0.00002.
gnomAD v4.1: 4 of 1,613,646 alleles (0.00025%); highest among the groups gnomAD compares: African/African-American, 0.0053%; no homozygotes.

Submissions (3):

GeneDx
Classification: Uncertain significance. Last evaluated: 2025-04-30. Review status: criteria provided, single submitter. Criteria: GeneDx Variant Classification Process June 2021. Collection method: clinical testing. Allele origin: germline. Affected: yes.
Comment: Not observed at significant frequency in large population cohorts (gnomAD); In silico analysis supports that this missense variant has a deleterious effect on protein structure/function; Has not been previously published as pathogenic or benign to our knowledge

Labcorp Genetics (formerly Invitae), Labcorp
Classification: Uncertain significance for Dilated cardiomyopathy 1JJ. Last evaluated: 2025-03-16. Review status: criteria provided, single submitter. Criteria: Invitae Variant Classification Sherloc (09022015). Collection method: clinical testing. Allele origin: germline.
Comment: This sequence change replaces asparagine, which is neutral and polar, with lysine, which is basic and polar, at codon 176 of the LAMA4 protein (p.Asn176Lys). This variant is present in population databases (no rsID available, gnomAD 0.007%). This variant has not been reported in the literature in individuals affected with LAMA4-related conditions. ClinVar contains an entry for this variant (Variation ID: 2682949). Invitae Evidence Modeling of protein sequence and biophysical properties (such as structural, functional, and spatial information, amino acid conservation, physicochemical variation, residue mobility, and thermodynamic stability) indicates that this missense variant is not expected to disrupt LAMA4 protein function with a negative predictive value of 80%. In summary, the available evidence is currently insufficient to determine the role of this variant in disease. Therefore, it has been classified as a Variant of Uncertain Significance.

Mayo Clinic Laboratories, Mayo Clinic
Classification: Uncertain significance. Last evaluated: 2022-05-26. Review status: criteria provided, single submitter. Criteria: ACMG Guidelines, 2015. Collection method: clinical testing. Allele origin: germline. Observed: 1 variant allele.